The following is an entry in ClinVar:

ClinVar aggregate classification (germline): Likely benign. Review status: criteria provided, single submitter (1 of 4 stars). 2 submissions from 2 submitters: Likely benign (1). 1 of the submissions does not count toward it. Last evaluated 2025-12-17.

Conditions:
WRN-related disorder. Also called: WRN-related condition.
Werner syndrome (WRN). Identifiers: Orphanet 902, MedGen C0043119, MONDO:0010196, OMIM 277700.

Allele frequency attached by ClinVar (database versions not stated): TOPMed 0.00003; gnomAD exomes 0.00044 and 0.00107; 1000 Genomes Project 30x 0.00062; 1000 Genomes Project 0.00080; gnomAD 0.00087 and 0.00091; ExAC 0.00097.

Submissions (6):

Labcorp Genetics (formerly Invitae), Labcorp
Classification: Likely benign for Werner syndrome. Last evaluated: 2025-12-17. Review status: criteria provided, single submitter. Criteria: Invitae Variant Classification Sherloc (09022015). Collection method: clinical testing. Allele origin: germline.

PreventionGenetics, part of Exact Sciences
Classification: Benign for WRN-related condition. Last evaluated: 2019-09-20. Review status: no assertion criteria provided. Collection method: clinical testing. Allele origin: germline. Not counted in ClinVar's aggregate classification.
Comment: This variant is classified as benign based on ACMG/AMP sequence variant interpretation guidelines (Richards et al. 2015 PMID: 25741868, with internal and published modifications).

Dr. Peter K. Rogan Lab, Western University
No classification provided (evidence only). Condition: Clear cell carcinoma of kidney. Review status: no classification provided. Collection method: in vitro. Allele origin: not applicable. Functional consequence: retained intron. Not counted in ClinVar's aggregate classification.

Dr. Peter K. Rogan Lab, Western University
No classification provided (evidence only). Condition: Lung cancer. Review status: no classification provided. Collection method: in vitro. Allele origin: not applicable. Functional consequence: retained intron. Not counted in ClinVar's aggregate classification.

Dr. Peter K. Rogan Lab, Western University
No classification provided (evidence only). Condition: Gastric cancer. Review status: no classification provided. Collection method: in vitro. Allele origin: not applicable. Functional consequence: retained intron. Not counted in ClinVar's aggregate classification.

Dr. Peter K. Rogan Lab, Western University
No classification provided (evidence only). Condition: Gastric cancer. Review status: no classification provided. Collection method: in vitro. Allele origin: not applicable. Functional consequence: retained intron. Not counted in ClinVar's aggregate classification.

NM_000553.6(WRN):c.2059T>G (p.Leu687Val)

Gene: WRN (WRN RecQ like helicase; plus strand). Cytogenetic location: 8p12.
Variant type: single nucleotide variant.
Coding change: c.2059T>G on transcript NM_000553.6 (MANE Select); coding-DNA position 2059, T replaced by G.
Protein change: p.Leu687Val; replaces leucine 687 with valine.
Molecular consequence: missense variant.
Genome position (GRCh38, 1-based): chr8:31,100,926, T>G. VCF-style: chr8-31100926-T-G. GRCh37 (hg19) VCF-style: chr8-30958442-T-G.
Other names: short protein forms L687V.
Identifiers: ClinVar variation 458397 (VCV000458397.15), dbSNP rs185468906, ClinGen allele CA4704608.